The following is an entry in ClinVar:

NM_000548.5(TSC2):c.3361T>C (p.Ser1121Pro)

Gene: TSC2 (TSC complex subunit 2; plus strand). Cytogenetic location: 16p13.3.
Variant type: single nucleotide variant.
Coding change: c.3361T>C on transcript NM_000548.5 (MANE Select); coding-DNA position 3361, T replaced by C.
Protein change: p.Ser1121Pro; replaces serine 1121 with proline.
Molecular consequence: missense variant.
Genome position (GRCh38, 1-based): chr16:2,079,633, T>C. VCF-style: chr16-2079633-T-C. GRCh37 (hg19) VCF-style: chr16-2129634-T-C.
Other names: c.3322T>C, p.Ser1108Pro (NM_001406667.1); c.3319T>C, p.Ser1107Pro (NM_001406668.1); c.3250T>C, p.Ser1084Pro (NM_001406670.1); c.3220T>C, p.Ser1074Pro (NM_001406671.1); c.3217T>C, p.Ser1073Pro (NM_001406673.1); c.3214T>C, p.Ser1072Pro (NM_001406675.1); c.3211T>C, p.Ser1071Pro (NM_001406676.1); c.3172T>C, p.Ser1058Pro (NM_001406677.1); and 18 more; short protein forms S1041P, S1058P, S1088P, S1108P, S1120P, S924P, S1040P, S1071P.
Identifiers: ClinVar variation 2165194 (VCV002165194.4), dbSNP rs779833011, ClinGen allele CA394286668.

ClinVar aggregate classification (germline): Uncertain significance (1 of 4 stars; one submission).

Conditions:
Tuberous sclerosis 2 (TSC2). Identifiers: Orphanet 805, MedGen C1860707, MONDO:0013199, OMIM 613254.

Submission:

Labcorp Genetics (formerly Invitae), Labcorp
Classification: Uncertain significance for Tuberous sclerosis 2. Last evaluated: 2022-04-15. Review status: criteria provided, single submitter. Criteria: Invitae Variant Classification Sherloc (09022015). Collection method: clinical testing. Allele origin: germline.
Comment: This variant has not been reported in the literature in individuals affected with TSC2-related conditions. Advanced modeling of protein sequence and biophysical properties (such as structural, functional, and spatial information, amino acid conservation, physicochemical variation, residue mobility, and thermodynamic stability) performed at Invitae indicates that this missense variant is not expected to disrupt TSC2 protein function. In summary, the available evidence is currently insufficient to determine the role of this variant in disease. Therefore, it has been classified as a Variant of Uncertain Significance. This variant is not present in population databases (gnomAD no frequency). This sequence change replaces serine, which is neutral and polar, with proline, which is neutral and non-polar, at codon 1121 of the TSC2 protein (p.Ser1121Pro).